The following is an entry in ClinVar:

NM_007194.4(CHEK2):c.1249C>A (p.Leu417Ile)

Gene: CHEK2 (checkpoint kinase 2; minus strand). Cytogenetic location: 22q12.1.
Variant type: single nucleotide variant.
Coding change: c.1249C>A on transcript NM_007194.4 (MANE Select); coding-DNA position 1249, C replaced by A.
Protein change: p.Leu417Ile; replaces leucine 417 with isoleucine.
Molecular consequence: missense variant.
Genome position (GRCh38, 1-based): chr22:28,695,720, G>T on the plus strand (C>A on the coding strand, the complement: CHEK2 is on the minus strand). VCF-style: chr22-28695720-G-T. GRCh37 (hg19) VCF-style: chr22-29091708-G-T.
Other names: c.1378C>A, p.Leu460Ile (NM_001005735.3); c.586C>A, p.Leu196Ile (NM_001257387.3); c.1048C>A, p.Leu350Ile (NM_001349956.3); c.1162C>A, p.Leu388Ile (NM_145862.3); short protein forms L196I, L388I, L350I, L417I, L460I.
Identifiers: ClinVar variation 2859979 (VCV002859979.3), dbSNP rs2052548069, ClinGen allele CA411096549.

ClinVar aggregate classification (germline): Uncertain significance (1 of 4 stars; one submission).

Conditions:
Familial cancer of breast. Also called: Hereditary breast cancer; BREAST CANCER, FAMILIAL; hereditary breast carcinoma. Identifiers: Orphanet 227535, MedGen C0346153, MONDO:0016419, OMIM 114480. Disease mechanism: loss of function.

Submission:

Labcorp Genetics (formerly Invitae), Labcorp
Classification: Uncertain significance for Familial cancer of breast. Last evaluated: 2023-04-28. Review status: criteria provided, single submitter. Criteria: Invitae Variant Classification Sherloc (09022015). Collection method: clinical testing. Allele origin: germline.
Comment: In summary, the available evidence is currently insufficient to determine the role of this variant in disease. Therefore, it has been classified as a Variant of Uncertain Significance. An algorithm developed to predict the effect of missense changes on protein structure and function (PolyPhen-2) suggests that this variant is likely to be disruptive. This variant has not been reported in the literature in individuals affected with CHEK2-related conditions. This variant is not present in population databases (gnomAD no frequency). This sequence change replaces leucine, which is neutral and non-polar, with isoleucine, which is neutral and non-polar, at codon 417 of the CHEK2 protein (p.Leu417Ile).